The following is an entry in ClinVar:

ClinVar aggregate classification (germline): Uncertain significance (1 of 4 stars; one submission).

Conditions:
Juvenile polyposis syndrome (JPS). Identifiers: Orphanet 2929, MedGen C0345893, MONDO:0017380, OMIM 174900.

Submission:

Labcorp Genetics (formerly Invitae), Labcorp
Classification: Uncertain significance for Juvenile polyposis syndrome. Last evaluated: 2016-12-22. Review status: criteria provided, single submitter. Criteria: Invitae Variant Classification Sherloc (09022015). Collection method: clinical testing. Allele origin: germline.
Comment: In summary, the exact genomic location of this variant is unknown and the impact of this duplication on SMAD4 protein function has not been established. Therefore, it has been classified as a Variant of Uncertain Significance. This variant has not been reported in the literature in individuals with a SMAD4-related disease. This variant is a gross duplication of the genomic region encompassing exons 11-12 of the SMAD4 gene. The 5' boundary is likely confined to intron 10. The 3' end of this event is unknown as it extends beyond the assayed region for this gene and therefore may encompass additional genes.

NC_000018.9:g.(?_48603002)_(48604843_?)dup

Gene: SMAD4 (SMAD family member 4; plus strand). Cytogenetic location: 18q21.2.
Variant type: Duplication.
Identifiers: ClinVar variation 1411361 (VCV001411361.6).